The following is an entry in ClinVar:

ClinVar aggregate classification (germline): Uncertain significance (1 of 4 stars; one submission).

Conditions:
Fanconi anemia (FA). Also called: Fanconi's anemia. Identifiers: Orphanet 84, MedGen C0015625, MeSH D005199, MONDO:0019391.

Submission:

Labcorp Genetics (formerly Invitae), Labcorp
Classification: Uncertain significance for Fanconi anemia. Last evaluated: 2023-02-26. Review status: criteria provided, single submitter. Criteria: Invitae Variant Classification Sherloc (09022015). Collection method: clinical testing. Allele origin: germline.
Comment: In summary, the available evidence is currently insufficient to determine the role of this variant in disease. Therefore, it has been classified as a Variant of Uncertain Significance. Advanced modeling of protein sequence and biophysical properties (such as structural, functional, and spatial information, amino acid conservation, physicochemical variation, residue mobility, and thermodynamic stability) performed at Invitae indicates that this missense variant is expected to disrupt FANCA protein function. This variant has not been reported in the literature in individuals affected with FANCA-related conditions. This variant is not present in population databases (gnomAD no frequency). This sequence change replaces serine, which is neutral and polar, with threonine, which is neutral and polar, at codon 545 of the FANCA protein (p.Ser545Thr).

NM_000135.4(FANCA):c.1634G>C (p.Ser545Thr)

Gene: FANCA (FA complementation group A; minus strand). Cytogenetic location: 16q24.3.
Variant type: single nucleotide variant.
Coding change: c.1634G>C on transcript NM_000135.4 (MANE Select); coding-DNA position 1634, G replaced by C.
Protein change: p.Ser545Thr; replaces serine 545 with threonine.
Molecular consequence: missense variant.
Genome position (GRCh38, 1-based): chr16:89,779,950, C>G on the plus strand (G>C on the coding strand, the complement: FANCA is on the minus strand). VCF-style: chr16-89779950-C-G. GRCh37 (hg19) VCF-style: chr16-89846358-C-G.
Other names: c.1634G>C, p.Ser545Thr (NM_001286167.3); short protein forms S545T.
Identifiers: ClinVar variation 2980068 (VCV002980068.3), dbSNP rs200922390, ClinGen allele CA397456575.
Genomic context (GRCh38, chr16:89,779,950, plus strand): 5'-GGGATGTTCCCCGTATGCTCAAACACCATGATGGCCTTTTCAACATCCTGAAGAGCTTGG[C>G]TGTGGGGCTGGTTCCCATACAGGGAGGAAAGGAAAAAGAACAGAGGACTTTAAAGAAAAG-3'
Protein context (NP_000126.2, residues 535-555): SSAGDITEPH[Ser545Thr]QALQDVEKAI